The following is an entry in ClinVar:

NM_000548.5(TSC2):c.2454C>G (p.Ile818Met)

Gene: TSC2 (TSC complex subunit 2; plus strand). Cytogenetic location: 16p13.3.
Variant type: single nucleotide variant.
Coding change: c.2454C>G on transcript NM_000548.5 (MANE Select); coding-DNA position 2454, C replaced by G.
Protein change: p.Ile818Met; replaces isoleucine 818 with methionine.
Molecular consequence: missense variant. On other transcripts: non-coding transcript variant (5).
Genome position (GRCh38, 1-based): chr16:2,074,298, C>G. VCF-style: chr16-2074298-C-G. GRCh37 (hg19) VCF-style: chr16-2124299-C-G.
Other names: c.2454C>G, p.Ile818Met (NM_001406664.1, NM_001406665.1, NM_001077183.3 and 6 more transcripts); c.2544C>G, p.Ile848Met (NM_001406667.1, NM_001406668.1); c.2343C>G, p.Ile781Met (NM_001406670.1, NM_001318827.2, NM_001406678.1); c.2442C>G, p.Ile814Met (NM_001406671.1, NM_001406673.1); c.2307C>G, p.Ile769Met (NM_001406675.1, NM_001406676.1, NM_001318829.2 and 1 more transcripts); c.2397C>G, p.Ile799Met (NM_001406677.1); c.1854C>G, p.Ile618Met (NM_001406687.1, NM_001406688.1, NM_001318831.2 and 6 more transcripts); c.1110C>G, p.Ile370Met (NM_001406689.1, NM_001406690.1, NM_001406691.1 and 6 more transcripts); and 3 more; short protein forms I769M, I814M, I618M, I664M, I829M, I370M, I781M, I799M.
Identifiers: ClinVar variation 2982502 (VCV002982502.4), dbSNP rs786201599, ClinGen allele CA394277478.

ClinVar aggregate classification (germline): Uncertain significance. Review status: criteria provided, multiple submitters, no conflicts (2 of 4 stars). 2 submissions from 2 submitters: Uncertain significance (2). Last evaluated 2025-05-19.

Conditions:
Hereditary cancer-predisposing syndrome. Also called: Tumor predisposition; Hereditary neoplastic syndrome; Neoplastic Syndromes, Hereditary; Hereditary Cancer Syndrome. Identifiers: Orphanet 140162, MedGen C0027672, MeSH D009386, MONDO:0015356.
Tuberous sclerosis 2 (TSC2). Identifiers: Orphanet 805, MedGen C1860707, MONDO:0013199, OMIM 613254.

Submissions (2):

Labcorp Genetics (formerly Invitae), Labcorp
Classification: Uncertain significance for Tuberous sclerosis 2. Last evaluated: 2025-05-19. Review status: criteria provided, single submitter. Criteria: Invitae Variant Classification Sherloc (09022015). Collection method: clinical testing. Allele origin: germline.
Comment: This sequence change replaces isoleucine, which is neutral and non-polar, with methionine, which is neutral and non-polar, at codon 818 of the TSC2 protein (p.Ile818Met). This variant is not present in population databases (gnomAD no frequency). This variant has not been reported in the literature in individuals affected with TSC2-related conditions. ClinVar contains an entry for this variant (Variation ID: 2982502). Invitae Evidence Modeling of protein sequence and biophysical properties (such as structural, functional, and spatial information, amino acid conservation, physicochemical variation, residue mobility, and thermodynamic stability) indicates that this missense variant is not expected to disrupt TSC2 protein function with a negative predictive value of 95%. In summary, the available evidence is currently insufficient to determine the role of this variant in disease. Therefore, it has been classified as a Variant of Uncertain Significance.

Ambry Genetics
Classification: Uncertain significance for Hereditary cancer-predisposing syndrome. Last evaluated: 2024-10-17. Review status: criteria provided, single submitter. Criteria: Ambry Variant Classification Scheme 2023. Collection method: clinical testing. Allele origin: germline.
Comment: The p.I818M variant (also known as c.2454C>G), located in coding exon 21 of the TSC2 gene, results from a C to G substitution at nucleotide position 2454. The isoleucine at codon 818 is replaced by methionine, an amino acid with highly similar properties. This amino acid position is conserved. In addition, the in silico prediction for this alteration is inconclusive. Based on the available evidence, the clinical significance of this variant remains unclear.